The following is an entry in ClinVar:

ClinVar aggregate classification (germline): Uncertain significance (1 of 4 stars; one submission).

Submission:

Labcorp Genetics (formerly Invitae), Labcorp
Classification: Uncertain significance. Last evaluated: 2025-07-10. Review status: criteria provided, single submitter. Criteria: Invitae Variant Classification Sherloc (09022015). Collection method: clinical testing. Allele origin: germline.
Comment: This sequence change replaces cysteine, which is neutral and slightly polar, with tyrosine, which is neutral and polar, at codon 1289 of the POLR1A protein (p.Cys1289Tyr). This variant is not present in population databases (gnomAD no frequency). This variant has not been reported in the literature in individuals affected with POLR1A-related conditions. Invitae Evidence Modeling of protein sequence and biophysical properties (such as structural, functional, and spatial information, amino acid conservation, physicochemical variation, residue mobility, and thermodynamic stability) has been performed for this missense variant. However, the output from this modeling did not meet the statistical confidence thresholds required to predict the impact of this variant on POLR1A protein function. In summary, the available evidence is currently insufficient to determine the role of this variant in disease. Therefore, it has been classified as a Variant of Uncertain Significance.

NM_015425.6(POLR1A):c.3866G>A (p.Cys1289Tyr)

Genes: POLR1A (RNA polymerase I subunit A; minus strand), LOC106783498 (conserved acetylation island sequence 34 enhancer; plus strand). Cytogenetic location: 2p11.2.
Variant type: single nucleotide variant.
Coding change: c.3866G>A on transcript NM_015425.6 (MANE Select); coding-DNA position 3866, G replaced by A.
Protein change: p.Cys1289Tyr; replaces cysteine 1289 with tyrosine.
Molecular consequence: missense variant.
Genome position (GRCh38, 1-based): chr2:86,039,337, C>T on the plus strand (G>A on the coding strand, the complement: POLR1A is on the minus strand). VCF-style: chr2-86039337-C-T. GRCh37 (hg19) VCF-style: chr2-86266460-C-T.
Other names: short protein forms C1289Y.
Identifiers: ClinVar variation 4695582 (VCV004695582.1).